The following is an entry in ClinVar:

ClinVar aggregate classification (germline): Uncertain significance (1 of 4 stars; one submission).

Conditions:
Weaver syndrome (WVS). Also called: Weaver Smith syndrome; Overgrowth syndrome with accelerated skeletal maturation, unusual facies, and camptodactyly. Identifiers: Orphanet 3447, MedGen C0265210, MONDO:0010193, OMIM 277590.

Submission:

Labcorp Genetics (formerly Invitae), Labcorp
Classification: Uncertain significance for Weaver syndrome. Last evaluated: 2025-03-05. Review status: criteria provided, single submitter. Criteria: Invitae Variant Classification Sherloc (09022015). Collection method: clinical testing. Allele origin: germline.
Comment: This sequence change replaces lysine, which is basic and polar, with glutamic acid, which is acidic and polar, at codon 426 of the EZH2 protein (p.Lys426Glu). This variant is not present in population databases (gnomAD no frequency). This variant has not been reported in the literature in individuals affected with EZH2-related conditions. Invitae Evidence Modeling of protein sequence and biophysical properties (such as structural, functional, and spatial information, amino acid conservation, physicochemical variation, residue mobility, and thermodynamic stability) indicates that this missense variant is not expected to disrupt EZH2 protein function with a negative predictive value of 80%. In summary, the available evidence is currently insufficient to determine the role of this variant in disease. Therefore, it has been classified as a Variant of Uncertain Significance.

NM_004456.5(EZH2):c.1276A>G (p.Lys426Glu)

Gene: EZH2 (enhancer of zeste 2 polycomb repressive complex 2 subunit; minus strand). Cytogenetic location: 7q36.1.
Variant type: single nucleotide variant.
Coding change: c.1276A>G on transcript NM_004456.5 (MANE Select); coding-DNA position 1276, A replaced by G.
Protein change: p.Lys426Glu; replaces lysine 426 with glutamic acid.
Molecular consequence: missense variant.
Genome position (GRCh38, 1-based): chr7:148,817,356, T>C on the plus strand (A>G on the coding strand, the complement: EZH2 is on the minus strand). VCF-style: chr7-148817356-T-C. GRCh37 (hg19) VCF-style: chr7-148514448-T-C.
Other names: c.1261A>G, p.Lys421Glu (NM_001203247.2); c.1234A>G, p.Lys412Glu (NM_001203248.2, NM_001203249.2); c.1144A>G, p.Lys382Glu (NM_152998.3); short protein forms K421E, K426E, K382E, K412E.
Identifiers: ClinVar variation 3682319 (VCV003682319.2).